The following is an entry in ClinVar:

NM_017802.4(DNAAF5):c.830G>A (p.Arg277His)

Gene: DNAAF5 (dynein axonemal assembly factor 5; plus strand). Cytogenetic location: 7p22.3.
Variant type: single nucleotide variant.
Coding change: c.830G>A on transcript NM_017802.4 (MANE Select); coding-DNA position 830, G replaced by A.
Protein change: p.Arg277His; replaces arginine 277 with histidine.
Molecular consequence: missense variant. On other transcripts: non-coding transcript variant (1).
Genome position (GRCh38, 1-based): chr7:740,868, G>A. VCF-style: chr7-740868-G-A. GRCh37 (hg19) VCF-style: chr7-780505-G-A.
Other names: short protein forms R277H.
Identifiers: ClinVar variation 525442 (VCV000525442.13), dbSNP rs760388668, ClinGen allele CA4110479.

ClinVar aggregate classification (germline): Uncertain significance. Review status: criteria provided, multiple submitters, no conflicts (2 of 4 stars). 2 submissions from 2 submitters: Uncertain significance (2). Last evaluated 2025-05-27.

Conditions:
Primary ciliary dyskinesia. Also called: Ciliary dyskinesia. Identifiers: Orphanet 244, MedGen C0008780, MONDO:0016575, HP:0012265.

Allele frequency attached by ClinVar (database versions not stated): TOPMed 0.00002.
gnomAD v4.1: 63 of 1,613,960 alleles (0.0039%); highest among the groups gnomAD compares: Middle Eastern, 0.033%; no homozygotes.

Submissions (2):

Labcorp Genetics (formerly Invitae), Labcorp
Classification: Uncertain significance for Primary ciliary dyskinesia. Last evaluated: 2025-05-27. Review status: criteria provided, single submitter. Criteria: Invitae Variant Classification Sherloc (09022015). Collection method: clinical testing. Allele origin: germline.
Comment: This sequence change replaces arginine, which is basic and polar, with histidine, which is basic and polar, at codon 277 of the DNAAF5 protein (p.Arg277His). This variant is present in population databases (rs760388668, gnomAD 0.01%). This missense change has been observed in individual(s) with clinical features of primary ciliary dyskinesia (internal data). ClinVar contains an entry for this variant (Variation ID: 525442). Invitae Evidence Modeling of protein sequence and biophysical properties (such as structural, functional, and spatial information, amino acid conservation, physicochemical variation, residue mobility, and thermodynamic stability) indicates that this missense variant is expected to disrupt DNAAF5 protein function with a positive predictive value of 80%. In summary, the available evidence is currently insufficient to determine the role of this variant in disease. Therefore, it has been classified as a Variant of Uncertain Significance.

Ambry Genetics
Classification: Uncertain significance for Primary ciliary dyskinesia. Last evaluated: 2021-12-29. Review status: criteria provided, single submitter. Criteria: Ambry Variant Classification Scheme 2023. Collection method: clinical testing. Allele origin: germline.
Comment: The p.R277H variant (also known as c.830G>A), located in coding exon 3 of the DNAAF5 gene, results from a G to A substitution at nucleotide position 830. The arginine at codon 277 is replaced by histidine, an amino acid with highly similar properties. This amino acid position is conserved. In addition, the in silico prediction for this alteration is inconclusive. Since supporting evidence is limited at this time, the clinical significance of this alteration remains unclear.